The following is an entry in ClinVar:

ClinVar aggregate classification (germline): Uncertain significance (1 of 4 stars; one submission).

Submission:

GeneDx
Classification: Uncertain significance. Last evaluated: 2019-04-29. Review status: criteria provided, single submitter. Criteria: GeneDx Variant Classification Process June 2021. Collection method: clinical testing. Allele origin: germline. Affected: yes.
Comment: Observed in patients with CASR-related disorders in published literature (Hannan et al., 2012; Vargas-Poussou et al., 2016); Not observed in large population cohorts (Lek et al., 2016); In silico analysis, which includes protein predictors and evolutionary conservation, supports a deleterious effect; This variant is associated with the following publications: (PMID: 22422767, 26963950)

NM_000388.4(CASR):c.624G>T (p.Trp208Cys)

Gene: CASR (calcium sensing receptor; plus strand). Cytogenetic location: 3q21.1.
Variant type: single nucleotide variant.
Coding change: c.624G>T on transcript NM_000388.4 (MANE Select); coding-DNA position 624, G replaced by T.
Protein change: p.Trp208Cys; replaces tryptophan 208 with cysteine.
Molecular consequence: missense variant.
Genome position (GRCh38, 1-based): chr3:122,261,659, G>T. VCF-style: chr3-122261659-G-T. GRCh37 (hg19) VCF-style: chr3-121980506-G-T.
Other names: c.624G>T, p.Trp208Cys (NM_001178065.2); short protein forms W208C.
Identifiers: ClinVar variation 1303491 (VCV001303491.2), dbSNP rs2107631965, ClinGen allele CA354150996.
Genomic context (GRCh38, chr3:122,261,659, plus strand): 5'-CAATGATGAGCACCAGGCCACTGCCATGGCAGACATCATCGAGTATTTCCGCTGGAACTG[G>T]GTGGGCACAATTGCAGCTGATGACGACTATGGGCGGCCGGGGATTGAGAAATTCCGAGAG-3'
Protein context (NP_000379.3, residues 198-218): ADIIEYFRWN[Trp208Cys]VGTIAADDDY